The following is an entry in ClinVar:

NM_002878.4(RAD51D):c.26_27delinsAA (p.Cys9Ter)

Genes: RAD51D (RAD51 paralog D; minus strand), RAD51L3-RFFL (RAD51L3-RFFL readthrough; minus strand). Cytogenetic location: 17q12.
Variant type: Indel.
Coding change: c.26_27delinsAA on transcript NM_002878.4 (MANE Select); coding-DNA positions 26 to 27, GC replaced by AA.
Protein change: p.Cys9Ter; replaces cysteine 9 with a stop codon.
Molecular consequence: nonsense. On other transcripts: non-coding transcript variant (2).
Genome position (GRCh38, 1-based): chr17:35,119,587-35,119,588, GC replaced by TT on the plus strand (GC replaced by AA on the coding strand, the reverse complement: RAD51D is on the minus strand). VCF-style: chr17-35119587-GC-TT. GRCh37 (hg19) VCF-style: chr17-33446606-GC-TT.
Other names: c.26_27delinsAA, p.Cys9Ter (NM_001142571.2, NM_133629.3); short protein forms C9*.
Identifiers: ClinVar variation 2583834 (VCV002583834.2), dbSNP rs2509189216, ClinGen allele CA2582342161.

ClinVar aggregate classification (germline): Pathogenic (1 of 4 stars; one submission).

Conditions:
Breast-ovarian cancer, familial, susceptibility to, 4. Identifiers: Orphanet 145, MedGen C3280345, MONDO:0013669, OMIM 614291.

Submission:

Myriad Genetics, Inc.
Classification: Pathogenic for Breast-ovarian cancer, familial, susceptibility to, 4. Last evaluated: 2023-05-26. Review status: criteria provided, single submitter. Criteria: Myriad Autosomal Dominant, Autosomal Recessive and X-Linked Classification Criteria (2023). Collection method: clinical testing. Allele origin: unknown.
Comment: This variant is considered pathogenic. This variant creates a termination codon and is predicted to result in premature protein truncation.